The following is an entry in ClinVar:

NM_201384.3(PLEC):c.13241G>A (p.Arg4414His)

Gene: PLEC (plectin; minus strand). Cytogenetic location: 8q24.3.
Variant type: single nucleotide variant.
Coding change: c.13241G>A on transcript NM_201384.3 (MANE Select); coding-DNA position 13241, G replaced by A.
Protein change: p.Arg4414His; replaces arginine 4414 with histidine.
Molecular consequence: missense variant.
Genome position (GRCh38, 1-based): chr8:143,916,580, C>T on the plus strand (G>A on the coding strand, the complement: PLEC is on the minus strand). VCF-style: chr8-143916580-C-T. GRCh37 (hg19) VCF-style: chr8-144990748-C-T.
Other names: c.13322G>A, p.Arg4441His (NM_000445.5); c.13199G>A, p.Arg4400His (NM_201378.4); c.13175G>A, p.Arg4392His (NM_201379.3); c.13652G>A, p.Arg4551His (NM_201380.4); c.13145G>A, p.Arg4382His (NM_201381.3); c.13241G>A, p.Arg4414His (NM_201382.4); c.13253G>A, p.Arg4418His (NM_201383.3); c.13322G>A (NM_000445.3); short protein forms R4441H, R4382H, R4392H, R4400H, R4414H, R4418H, R4551H.
Identifiers: ClinVar variation 577699 (VCV000577699.14), dbSNP rs373265918, ClinGen allele CA4923873.

ClinVar aggregate classification (germline): Conflicting classifications of pathogenicity. Review status: criteria provided, conflicting classifications (1 of 4 stars). 4 submissions from 4 submitters: Uncertain significance (3); Likely benign (1). Last evaluated 2026-01-21.

Conditions:
Autosomal recessive limb-girdle muscular dystrophy type 2Q (LGMDR17). Also called: MUSCULAR DYSTROPHY, LIMB-GIRDLE, AUTOSOMAL RECESSIVE 17. Identifiers: Orphanet 254361, MedGen C3150989, MONDO:0013390, OMIM 613723.
Epidermolysis bullosa simplex 5B, with muscular dystrophy (EBS5B). Also called: Epidermolysis bullosa simplex with muscular dystrophy; EPIDERMOLYSIS BULLOSA SIMPLEX AND LIMB-GIRDLE MUSCULAR DYSTROPHY. Identifiers: Orphanet 257, MedGen C2931072, MONDO:0009181, OMIM 226670.
Epidermolysis bullosa simplex, Ogna type (EBS5A). Also called: EPIDERMOLYSIS BULLOSA SIMPLEX 5A, OGNA TYPE; Pidermolysis bullosa simplex 5A, Ogna type. Identifiers: Orphanet 79401, MedGen C0432317, MONDO:0007555, OMIM 131950.
Epidermolysis bullosa simplex 5C, with pyloric atresia (EBS5C). Also called: PLEC-Related Epidermolysis Bullosa with Pyloric Atresia; Epidermolysis bullosa simplex with pyloric atresia; PLEC1-Related Epidermolysis Bullosa with Pyloric Atresia. Identifiers: Orphanet 158684, MedGen C2677349, MONDO:0012807, OMIM 612138.
Epidermolysis bullosa simplex with nail dystrophy (EBS5D). Identifiers: MedGen C4225309, MONDO:0014661, OMIM 616487.

Allele frequency attached by ClinVar (database versions not stated): gnomAD 0.00003 and 0.00007; TOPMed 0.00006; ESP Exome Variant Server 0.00008; gnomAD exomes 0.00008 and 0.00015; ExAC 0.00011; 1000 Genomes Project 0.00020; 1000 Genomes Project 30x 0.00047.
gnomAD v4.1: 130 of 1,611,470 alleles (0.0081%); highest among the groups gnomAD compares: South Asian, 0.055%; 1 homozygote.

Submissions (4):

Labcorp Genetics (formerly Invitae), Labcorp
Classification: Uncertain significance for Autosomal recessive limb-girdle muscular dystrophy type 2Q; Epidermolysis bullosa simplex, Ogna type; Epidermolysis bullosa simplex with nail dystrophy; Epidermolysis bullosa simplex 5C, with pyloric atresia; Epidermolysis bullosa simplex 5B, with muscular dystrophy. Last evaluated: 2026-01-21. Review status: criteria provided, single submitter. Criteria: Invitae Variant Classification Sherloc (09022015). Collection method: clinical testing. Allele origin: germline.
Comment: This sequence change replaces arginine, which is basic and polar, with histidine, which is basic and polar, at codon 4441 of the PLEC protein (p.Arg4441His). The frequency data for this variant in the population databases is considered unreliable, as metrics indicate poor data quality at this position in the gnomAD database. This variant has not been reported in the literature in individuals affected with PLEC-related conditions. ClinVar contains an entry for this variant (Variation ID: 577699). Invitae Evidence Modeling of protein sequence and biophysical properties (such as structural, functional, and spatial information, amino acid conservation, physicochemical variation, residue mobility, and thermodynamic stability) indicates that this missense variant is not expected to disrupt PLEC protein function with a negative predictive value of 80%. In summary, the available evidence is currently insufficient to determine the role of this variant in disease. Therefore, it has been classified as a Variant of Uncertain Significance.

Athena Diagnostics
Classification: Uncertain significance. Last evaluated: 2025-07-31. Review status: criteria provided, single submitter. Criteria: Athena Diagnostics Criteria. Collection method: clinical testing. Allele origin: unknown.
Comment: Available data are insufficient to determine the clinical significance of the variant at this time. The frequency of this variant in the general population is higher than would generally be expected for pathogenic variants in this gene. Polyphen and MutationTaster yielded discordant predictions regarding whether this amino acid change is damaging to the protein.

Blueprint Genetics
Classification: Likely benign. Last evaluated: 2024-10-23. Review status: criteria provided, single submitter. Criteria: ACMG Guidelines, 2015. Collection method: clinical testing. Allele origin: germline.

Revvity Omics, Revvity
Classification: Uncertain significance. Last evaluated: 2019-04-02. Review status: criteria provided, single submitter. Criteria: ACMG Guidelines, 2015. Collection method: clinical testing. Allele origin: germline.